The following is an entry in ClinVar:

NM_003630.3(PEX3):c.165A>G (p.Gln55=)

Gene: PEX3 (peroxisomal biogenesis factor 3; plus strand). Cytogenetic location: 6q24.2.
Variant type: single nucleotide variant.
Coding change: c.165A>G on transcript NM_003630.3 (MANE Select); coding-DNA position 165, A replaced by G.
Protein change: p.Gln55=; no amino-acid change (glutamine 55 retained).
Molecular consequence: synonymous variant.
Genome position (GRCh38, 1-based): chr6:143,459,176, A>G. VCF-style: chr6-143459176-A-G. GRCh37 (hg19) VCF-style: chr6-143780313-A-G.
Other names: p.Gln55=.
Identifiers: ClinVar variation 195197 (VCV000195197.22), dbSNP rs41285015, ClinGen allele CA241511.

ClinVar aggregate classification (germline): Conflicting classifications of pathogenicity. Review status: criteria provided, conflicting classifications (1 of 4 stars). 5 submissions from 5 submitters: Uncertain significance (2); Likely benign (3). Last evaluated 2026-01-28.

Conditions:
Peroxisome biogenesis disorder 10A (Zellweger). Also called: Peroxisome biogenesis disorder 10A. Identifiers: Orphanet 912, MedGen C3553999, MONDO:0013948, OMIM 614882.

Allele frequency attached by ClinVar (database versions not stated): ExAC 0.00069; gnomAD 0.00090 and 0.00096; gnomAD exomes 0.00093 and 0.00133; TOPMed 0.00094; ESP Exome Variant Server 0.00115; 1000 Genomes Project 0.00120; 1000 Genomes Project 30x 0.00125.
gnomAD v4.1: 2,087 of 1,612,730 alleles (0.13%); highest among the groups gnomAD compares: Admixed American, 0.17%; 1 homozygote.

Submissions (5):

Labcorp Genetics (formerly Invitae), Labcorp
Classification: Likely benign. Last evaluated: 2026-01-28. Review status: criteria provided, single submitter. Criteria: Invitae Variant Classification Sherloc (09022015). Collection method: clinical testing. Allele origin: germline.

Mayo Clinic Laboratories, Mayo Clinic
Classification: Likely benign. Last evaluated: 2025-10-28. Review status: criteria provided, single submitter. Criteria: ACMG Guidelines, 2015. Collection method: clinical testing. Allele origin: germline. Observed: 2 variant alleles.
Comment: BS1, BP4, BP7

Blueprint Genetics
Classification: Likely benign. Last evaluated: 2024-11-20. Review status: criteria provided, single submitter. Criteria: ACMG Guidelines, 2015. Collection method: clinical testing. Allele origin: germline.

Eurofins Ntd Llc (ga)
Classification: Uncertain significance. Last evaluated: 2018-07-16. Review status: criteria provided, single submitter. Criteria: EGL ClinVar v180209 classification definitions. Collection method: clinical testing. Allele origin: germline. Observed: 11 variant alleles, 11 heterozygotes.

Illumina Laboratory Services, Illumina
Classification: Uncertain significance for Peroxisome biogenesis disorder 10A (Zellweger). Last evaluated: 2018-01-12. Review status: criteria provided, single submitter. Criteria: ICSL Variant Classification Criteria 13 December 2019. Collection method: clinical testing. Allele origin: germline.